The following is an entry in ClinVar:

ClinVar aggregate classification (germline): Likely benign (1 of 4 stars; one submission).

Submission:

CeGaT Center for Human Genetics Tuebingen
Classification: Likely benign. Last evaluated: 2026-09-01. Review status: criteria provided, single submitter. Criteria: CeGaT Center For Human Genetics Tuebingen Variant Classification Criteria Version 2. Collection method: clinical testing. Allele origin: germline. Affected: yes. Observed: 26 variant alleles.
Comment: KCNQ1OT1: BS1

NM_000218.3(KCNQ1):c.1514+20395GAGT[7]

Genes: KCNQ1 (potassium voltage-gated channel subfamily Q member 1; plus strand), KCNQ1OT1 (KCNQ1 opposite strand/antisense transcript 1; minus strand). Cytogenetic location: 11p15.5.
Variant type: Microsatellite.
Coding change: c.1514+20395GAGT[7] on transcript NM_000218.3 (MANE Select); seven copies in a row of the 4-base unit GAGT starting at c.1514+20395; the reference has eight copies in a row; one copy, 4 bases deleted.
Molecular consequence: intron variant.
Genome position (GRCh38, 1-based): chr11:2,682,504-2,682,507, GAGT deleted; deleting any 4 consecutive bases within chr11:2,682,476-2,682,507 gives the same sequence; the position shown is the placement nearest the transcript's 3' end. VCF-style (leftmost placement, unchanged base first): chr11-2682475-CGAGT-C. GRCh37 (hg19) VCF-style: chr11-2703705-CGAGT-C.
Other names: c.1244+20395GAGT[7] (NM_001406837.1); c.1418+20395GAGT[7] (NM_001406836.1); c.974+20395GAGT[7] (NM_001406838.1); c.1133+20395GAGT[7] (NM_181798.2).
Identifiers: ClinVar variation 1879191 (VCV001879191.29), dbSNP rs3831584, ClinGen allele CA472832269.